The following is an entry in ClinVar:

ClinVar aggregate classification (germline): Uncertain significance (1 of 4 stars; one submission).

Conditions:
Distal hereditary motor neuropathy type 2. Identifiers: Orphanet 139525, MedGen C3711384, MeSH C580044, MONDO:0015352.

Submission:

Labcorp Genetics (formerly Invitae), Labcorp
Classification: Uncertain significance for Distal hereditary motor neuropathy type 2. Last evaluated: 2019-11-20. Review status: criteria provided, single submitter. Criteria: Invitae Variant Classification Sherloc (09022015). Collection method: clinical testing. Allele origin: germline.
Comment: Algorithms developed to predict the effect of missense changes on protein structure and function are either unavailable or do not agree on the potential impact of this missense change (SIFT: "Deleterious"; PolyPhen-2: "Benign"; Align-GVGD: "Class C0"). This sequence change replaces methionine with lysine at codon 657 of the FBXO38 protein (p.Met657Lys). The methionine residue is moderately conserved and there is a moderate physicochemical difference between methionine and lysine. This variant is not present in population databases (ExAC no frequency). This variant has not been reported in the literature in individuals with FBXO38-related conditions. In summary, the available evidence is currently insufficient to determine the role of this variant in disease. Therefore, it has been classified as a Variant of Uncertain Significance.

NM_205836.3(FBXO38):c.1970T>A (p.Met657Lys)

Gene: FBXO38 (F-box protein 38; plus strand). Cytogenetic location: 5q32.
Variant type: single nucleotide variant.
Coding change: c.1970T>A on transcript NM_205836.3 (MANE Select); coding-DNA position 1970, T replaced by A.
Protein change: p.Met657Lys; replaces methionine 657 with lysine.
Molecular consequence: missense variant. On other transcripts: intron variant (1).
Genome position (GRCh38, 1-based): chr5:148,427,264, T>A. VCF-style: chr5-148427264-T-A. GRCh37 (hg19) VCF-style: chr5-147806827-T-A.
Other names: c.1970T>A, p.Met657Lys (NM_030793.5); c.1918+1563T>A (NM_001271723.2); short protein forms M657K.
Identifiers: ClinVar variation 842285 (VCV000842285.11), dbSNP rs1753763617, ClinGen allele CA361656311.